The following is an entry in ClinVar:

NM_021153.4(CDH19):c.2180G>T (p.Gly727Val)

Gene: CDH19 (cadherin 19; minus strand). Cytogenetic location: 18q22.1.
Variant type: single nucleotide variant.
Coding change: c.2180G>T on transcript NM_021153.4 (MANE Select); coding-DNA position 2180, G replaced by T.
Protein change: p.Gly727Val; replaces glycine 727 with valine.
Molecular consequence: missense variant. On other transcripts: 3 prime UTR variant (1), non-coding transcript variant (1).
Genome position (GRCh38, 1-based): chr18:66,504,951, C>A on the plus strand (G>T on the coding strand, the complement: CDH19 is on the minus strand). VCF-style: chr18-66504951-C-A. GRCh37 (hg19) VCF-style: chr18-64172188-C-A.
Other names: c.*337G>T (NM_001271028.2); short protein forms G727V.
Identifiers: ClinVar variation 3052874 (VCV003052874.2), dbSNP rs60951620, ClinGen allele CA8991649.

ClinVar aggregate classification (germline): Benign (0 of 4 stars; one submission).

Conditions:
CDH19-related disorder. Also called: CDH19-related condition.

Allele frequency attached by ClinVar (database versions not stated): ExAC 0.00124; 1000 Genomes Project 0.00319; gnomAD 0.00364; ESP Exome Variant Server 0.00392; 1000 Genomes Project 30x 0.00422; TOPMed 0.00424.
gnomAD v4.1: 1,191 of 1,613,398 alleles (0.074%); highest among the groups gnomAD compares: African/African-American, 1.2%; 12 homozygotes.

Submission:

PreventionGenetics, part of Exact Sciences
Classification: Benign for CDH19-related condition. Last evaluated: 2019-02-25. Review status: no assertion criteria provided. Collection method: clinical testing. Allele origin: germline.
Comment: This variant is classified as benign based on ACMG/AMP sequence variant interpretation guidelines (Richards et al. 2015 PMID: 25741868, with internal and published modifications).